The following is an entry in ClinVar:

ClinVar aggregate classification (germline): Uncertain significance. Review status: criteria provided, multiple submitters, no conflicts (2 of 4 stars). 4 submissions from 4 submitters: Uncertain significance (4). Last evaluated 2024-12-18.

Conditions:
Hereditary cancer-predisposing syndrome. Also called: Hereditary neoplastic syndrome; Neoplastic Syndromes, Hereditary; Hereditary Cancer Syndrome; Tumor predisposition. Identifiers: Orphanet 140162, MedGen C0027672, MeSH D009386, MONDO:0015356.
Rhabdoid tumor predisposition syndrome 2 (RTPS2). Identifiers: Orphanet 231108, Orphanet 69077, MedGen C2750074, MONDO:0013224, OMIM 613325.

Allele frequency attached by ClinVar (database versions not stated): gnomAD exomes below 0.00001; TOPMed below 0.00001.
gnomAD v4.1: 2 of 1,614,002 alleles (0.00012%); highest among the groups gnomAD compares: Non-Finnish European, 0.00017%; no homozygotes.

Submissions (4):

Labcorp Genetics (formerly Invitae), Labcorp
Classification: Uncertain significance for Rhabdoid tumor predisposition syndrome 2. Last evaluated: 2024-12-18. Review status: criteria provided, single submitter. Criteria: Invitae Variant Classification Sherloc (09022015). Collection method: clinical testing. Allele origin: germline.
Comment: This sequence change replaces arginine, which is basic and polar, with glycine, which is neutral and non-polar, at codon 741 of the SMARCA4 protein (p.Arg741Gly). This variant is not present in population databases (gnomAD no frequency). This variant has not been reported in the literature in individuals affected with SMARCA4-related conditions. ClinVar contains an entry for this variant (Variation ID: 470291). Invitae Evidence Modeling of protein sequence and biophysical properties (such as structural, functional, and spatial information, amino acid conservation, physicochemical variation, residue mobility, and thermodynamic stability) has been performed for this missense variant. However, the output from this modeling did not meet the statistical confidence thresholds required to predict the impact of this variant on SMARCA4 protein function. In summary, the available evidence is currently insufficient to determine the role of this variant in disease. Therefore, it has been classified as a Variant of Uncertain Significance.

Ambry Genetics
Classification: Uncertain significance for Hereditary cancer-predisposing syndrome. Last evaluated: 2024-03-28. Review status: criteria provided, single submitter. Criteria: Ambry Variant Classification Scheme 2023. Collection method: clinical testing. Allele origin: germline.
Comment: The p.R741G variant (also known as c.2221A>G), located in coding exon 14 of the SMARCA4 gene, results from an A to G substitution at nucleotide position 2221. The arginine at codon 741 is replaced by glycine, an amino acid with dissimilar properties. This amino acid position is not well conserved in available vertebrate species. In addition, the in silico prediction for this alteration is inconclusive. Based on the available evidence, the clinical significance of this alteration remains unclear.

GeneDx
Classification: Uncertain significance. Last evaluated: 2023-12-18. Review status: criteria provided, single submitter. Criteria: GeneDx Variant Classification Process June 2021. Collection method: clinical testing. Allele origin: germline. Affected: yes.
Comment: Not observed at significant frequency in large population cohorts (gnomAD); In silico analysis supports that this missense variant has a deleterious effect on protein structure/function; Has not been previously published as pathogenic or benign to our knowledge

Blueprint Genetics
Classification: Uncertain significance. Last evaluated: 2023-12-07. Review status: criteria provided, single submitter. Criteria: ACMG Guidelines, 2015. Collection method: clinical testing. Allele origin: germline.

NM_003072.5(SMARCA4):c.2221A>G (p.Arg741Gly)

Gene: SMARCA4 (SWI/SNF related BAF chromatin remodeling complex subunit ATPase 4; plus strand). Cytogenetic location: 19p13.2.
Variant type: single nucleotide variant.
Coding change: c.2221A>G on transcript NM_003072.5 (MANE Select); coding-DNA position 2221, A replaced by G.
Protein change: p.Arg741Gly; replaces arginine 741 with glycine.
Molecular consequence: missense variant. On other transcripts: non-coding transcript variant (1).
Genome position (GRCh38, 1-based): chr19:11,010,478, A>G. VCF-style: chr19-11010478-A-G. GRCh37 (hg19) VCF-style: chr19-11121154-A-G.
Other names: c.2221A>G, p.Arg741Gly (NM_001128844.3, NM_001128845.2, NM_001128846.2 and 5 more transcripts); short protein forms R741G.
Identifiers: ClinVar variation 470291 (VCV000470291.13), dbSNP rs1555773339, ClinGen allele CA404052860.